The following is an entry in ClinVar:

ClinVar aggregate classification (germline): Likely benign. Review status: criteria provided, multiple submitters, no conflicts (2 of 4 stars). 2 submissions from 2 submitters: Likely benign (2). Last evaluated 2024-07-12.

Conditions:
BAP1-related tumor predisposition syndrome (TPDS1). Also called: Tumor susceptibility linked to germline BAP1 mutations; BAP1 tumor predisposition syndrome; COMMON Syndrome; TUMOR PREDISPOSITION SYNDROME 1. Identifiers: MONDO:0013692, OMIM 614327, Orphanet 289539, MedGen C3280492.

Submissions (2):

Myriad Genetics, Inc.
Classification: Likely benign for BAP1-related tumor predisposition syndrome. Last evaluated: 2024-07-12. Review status: criteria provided, single submitter. Criteria: Myriad Autosomal Dominant, Autosomal Recessive and X-Linked Classification Criteria (2023). Collection method: clinical testing. Allele origin: unknown.
Comment: This variant is considered likely benign. This variant is intronic and is not expected to impact mRNA splicing.

Labcorp Genetics (formerly Invitae), Labcorp
Classification: Likely benign for BAP1-related tumor predisposition syndrome. Last evaluated: 2023-03-03. Review status: criteria provided, single submitter. Criteria: Invitae Variant Classification Sherloc (09022015). Collection method: clinical testing. Allele origin: germline.

NM_004656.4(BAP1):c.438-16C>T

Gene: BAP1 (BRCA1 associated deubiquitinase 1; minus strand). Cytogenetic location: 3p21.1.
Variant type: single nucleotide variant.
Coding change: c.438-16C>T on transcript NM_004656.4 (MANE Select); 16 bases into the intron before coding-DNA position 438, C replaced by T.
Molecular consequence: intron variant.
Genome position (GRCh38, 1-based): chr3:52,407,332, G>A on the plus strand (C>T on the coding strand, the complement: BAP1 is on the minus strand). VCF-style: chr3-52407332-G-A. GRCh37 (hg19) VCF-style: chr3-52441348-G-A.
Other names: c.438-16C>T (NM_001410772.1).
Identifiers: ClinVar variation 3021538 (VCV003021538.4), dbSNP rs1234846276, ClinGen allele CA2702562380.